The following is an entry in ClinVar:

ClinVar aggregate classification (germline): Uncertain significance (1 of 4 stars; one submission).

Conditions:
Immunodeficiency 19 (IMD19). Also called: CD3-DELTA DEFICIENCY; SEVERE COMBINED IMMUNODEFICIENCY, T CELL-NEGATIVE, B CELL-POSITIVE, NK CELL-POSITIVE; SCID, T CELL-NEGATIVE, B CELL-POSITIVE, NK CELL-POSITIVE; IMMUNODEFICIENCY 19, SEVERE COMBINED. Identifiers: MedGen C3810147, MONDO:0014280, OMIM 615617.

Allele frequency attached by ClinVar (database versions not stated): TOPMed below 0.00001; gnomAD 0.00001; gnomAD exomes 0.00001.
gnomAD v4.1: 4 of 1,613,626 alleles (0.00025%); highest among the groups gnomAD compares: African/African-American, 0.0013%; no homozygotes.

Submission:

Labcorp Genetics (formerly Invitae), Labcorp
Classification: Uncertain significance for Immunodeficiency 19. Last evaluated: 2022-07-22. Review status: criteria provided, single submitter. Criteria: Invitae Variant Classification Sherloc (09022015). Collection method: clinical testing. Allele origin: germline.
Comment: Algorithms developed to predict the effect of missense changes on protein structure and function (SIFT, PolyPhen-2, Align-GVGD) all suggest that this variant is likely to be tolerated. In summary, the available evidence is currently insufficient to determine the role of this variant in disease. Therefore, it has been classified as a Variant of Uncertain Significance. This variant has not been reported in the literature in individuals affected with CD3D-related conditions. This variant is not present in population databases (gnomAD no frequency). This sequence change replaces serine, which is neutral and polar, with asparagine, which is neutral and polar, at codon 4 of the CD3D protein (p.Ser4Asn).

NM_000732.6(CD3D):c.11G>A (p.Ser4Asn)

Gene: CD3D (CD3 delta subunit of T-cell receptor complex; minus strand). Cytogenetic location: 11q23.3.
Variant type: single nucleotide variant.
Coding change: c.11G>A on transcript NM_000732.6 (MANE Select); coding-DNA position 11, G replaced by A.
Protein change: p.Ser4Asn; replaces serine 4 with asparagine.
Molecular consequence: missense variant.
Genome position (GRCh38, 1-based): chr11:118,342,597, C>T on the plus strand (G>A on the coding strand, the complement: CD3D is on the minus strand). VCF-style: chr11-118342597-C-T. GRCh37 (hg19) VCF-style: chr11-118213312-C-T.
Other names: c.11G>A, p.Ser4Asn (NM_001040651.2); short protein forms S4N.
Identifiers: ClinVar variation 2006756 (VCV002006756.4), dbSNP rs1948310582, ClinGen allele CA382790703.